The following is an entry in ClinVar:

ClinVar aggregate classification (germline): Uncertain significance (1 of 4 stars; one submission).

Submission:

GeneDx
Classification: Uncertain significance. Last evaluated: 2026-02-18. Review status: criteria provided, single submitter. Criteria: GeneDx Variant Classification Process June 2021. Collection method: clinical testing. Allele origin: germline.
Comment: In-frame duplication of 9 amino acid(s) in a non-repeat region; Not observed at significant frequency in large population cohorts (gnomAD); Has not been previously published as pathogenic or benign to our knowledge

NM_005585.5(SMAD6):c.1159_1185dup (p.Lys395_Glu396insIleGlyPheGlyIleLeuLeuSerLys)

Gene: SMAD6 (SMAD family member 6; plus strand). Cytogenetic location: 15q22.31.
Variant type: Duplication.
Coding change: c.1159_1185dup on transcript NM_005585.5 (MANE Select); coding-DNA positions 1159 to 1185, 27 bases duplicated (ATCGGCTTCGGCATCCTGCTCAGCAAG).
Protein change: p.Lys395_Glu396insIleGlyPheGlyIleLeuLeuSerLys.
Molecular consequence: inframe insertion. On other transcripts: non-coding transcript variant (1).
Genome position (GRCh38, 1-based): chr15:66,781,203-66,781,229, ATCGGCTTCGGCATCCTGCTCAGCAAG duplicated; duplicating any 27 consecutive bases within chr15:66,781,196-66,781,229 gives the same sequence; the c. name uses the placement nearest the transcript's 3' end. VCF-style (leftmost placement, unchanged base first): chr15-66781195-G-GCAGCAAGATCGGCTTCGGCATCCTGCT. GRCh37 (hg19) VCF-style: chr15-67073533-G-GCAGCAAGATCGGCTTCGGCATCCTGCT.
Identifiers: ClinVar variation 5009069 (VCV005009069.1).